The following is an entry in ClinVar:

ClinVar aggregate classification (germline): Uncertain significance. Review status: criteria provided, multiple submitters, no conflicts (2 of 4 stars). 2 submissions from 2 submitters: Uncertain significance (2). Last evaluated 2025-07-15.

Conditions:
Hereditary cancer-predisposing syndrome. Also called: Tumor predisposition; Neoplastic Syndromes, Hereditary; Hereditary neoplastic syndrome; Hereditary Cancer Syndrome. Identifiers: Orphanet 140162, MedGen C0027672, MeSH D009386, MONDO:0015356.

Submissions (2):

GeneDx
Classification: Uncertain significance. Last evaluated: 2025-07-15. Review status: criteria provided, single submitter. Criteria: GeneDx Variant Classification Process June 2021. Collection method: clinical testing. Allele origin: germline. Affected: yes.
Comment: Not observed at significant frequency in large population cohorts (gnomAD); Has not been previously published as pathogenic or benign to our knowledge; Although this variant is predicted to cause loss of normal protein function, current evidence indicates that variants in exon 32 (referred to as exon 31 by alternate numbering) are unlikely to cause tuberous sclerosis (TS) (PMID: 26703369). Specifically, loss-of-function variants in this exon have been identified in the published literature and at GeneDx in individuals who do not have features of TSC (PMID: 26703369).; RNA expression analysis demonstrates an abundance of transcripts lacking this exon in multiple normal tissue types from healthy adults, and in vitro studies indicate that this exon is not essential for normal functional activity of the TSC complex (PMID: 26703369).; This variant is associated with the following publications: (PMID: 26703369)

Ambry Genetics
Classification: Uncertain significance for Hereditary cancer-predisposing syndrome. Last evaluated: 2024-10-05. Review status: criteria provided, single submitter. Criteria: Ambry Variant Classification Scheme 2023. Collection method: clinical testing. Allele origin: germline.
Comment: The c.3823_3824delTT variant, located in coding exon 31 of the TSC2 gene, results from a deletion of two nucleotides at nucleotide positions 3823 to 3824, causing a translational frameshift with a predicted alternate stop codon (p.F1275Lfs*46). This alteration is expected to result in loss of function by premature protein truncation or nonsense-mediated mRNA decay. However, this variant occurs in an exon that is absent in biologically relevant transcripts (Ekong R et al. Hum. Mutat. 2016 Apr; 37:362-70). Since supporting evidence is limited at this time, the clinical significance of this alteration remains unclear.

NM_000548.5(TSC2):c.3823_3824del (p.Phe1275fs)

Gene: TSC2 (TSC complex subunit 2; plus strand). Cytogenetic location: 16p13.3.
Variant type: Deletion.
Coding change: c.3823_3824del on transcript NM_000548.5 (MANE Select); coding-DNA positions 3823 to 3824, 2 bases deleted (TT; older notation c.3823_3824delTT).
Protein change: p.Phe1275fs; shifts the reading frame from phenylalanine 1275.
Molecular consequence: frameshift variant. On other transcripts: non-coding transcript variant (1), intron variant (33).
Genome position (GRCh38, 1-based): chr16:2,082,444-2,082,445, TT deleted; deleting any 2 consecutive bases within chr16:2,082,443-2,082,445 gives the same sequence; the c. name uses the placement nearest the transcript's 3' end. VCF-style (leftmost placement, unchanged base first): chr16-2082442-CTT-C. GRCh37 (hg19) VCF-style: chr16-2132443-CTT-C.
Other names: c.3823_3824delTT, p.Phe1275Leufs (NM_000548.3); c.3091_3092del, p.Phe1031fs (NM_001318831.2); c.3691_3692del, p.Phe1231fs (NM_001370404.1, NM_001406665.1); c.3694_3695del, p.Phe1232fs (NM_001370405.1, NM_021055.3); c.3820_3821del, p.Phe1274fs (NM_001406663.1); c.3223_3224del, p.Phe1075fs (NM_001406680.1); c.2350_2351del, p.Phe784fs (NM_001406690.1); c.2347_2348del, p.Phe783fs (NM_001406691.1); and 27 more; short protein forms F783fs, F1031fs, F1232fs, F1075fs, F1274fs, F784fs, F1231fs, F1275fs.
Identifiers: ClinVar variation 3462623 (VCV003462623.2).
Genomic context (GRCh38, chr16:2,082,442, plus strand): 5'-CTGTGTGTAGCCCCTCCTCCTGCTGACGTGGCCGCACACGGCCTTCCCTTGCAGTGGCCT[CTT>C]TCTCCTCCCTGTACCAGTCCAGCTGCCAAGGACAGCTGCACAGGAGCGTTTCCTGGGCAG-3'